The following is an entry in ClinVar:

NM_017419.3(ASIC5):c.790C>A (p.Pro264Thr)

Gene: ASIC5 (acid sensing ion channel subunit family member 5; minus strand). Cytogenetic location: 4q32.1.
Variant type: single nucleotide variant.
Coding change: c.790C>A on transcript NM_017419.3 (MANE Select); coding-DNA position 790, C replaced by A.
Protein change: p.Pro264Thr; replaces proline 264 with threonine.
Molecular consequence: missense variant.
Genome position (GRCh38, 1-based): chr4:155,843,752, G>T on the plus strand (C>A on the coding strand, the complement: ASIC5 is on the minus strand). VCF-style: chr4-155843752-G-T. GRCh37 (hg19) VCF-style: chr4-156764904-G-T.
Other names: short protein forms P264T.
Identifiers: ClinVar variation 2363968 (VCV002363968.3), dbSNP rs140518137, ClinGen allele CA3118304.

ClinVar aggregate classification (germline): Conflicting classifications of pathogenicity. Review status: criteria provided, conflicting classifications (1 of 4 stars). 2 submissions from 2 submitters: Uncertain significance (1); Likely benign (1). Last evaluated 2026-02-13.

Conditions:
ASIC5-related disorder. Also called: ASIC5-related condition.

Allele frequency attached by ClinVar (database versions not stated): gnomAD 0.00016; TOPMed 0.00018; ESP Exome Variant Server 0.00023; ExAC 0.00026.
gnomAD v4.1: 275 of 1,613,548 alleles (0.017%); highest among the groups gnomAD compares: Non-Finnish European, 0.012%; no homozygotes.

Submissions (2):

PreventionGenetics, part of Exact Sciences
Classification: Likely benign for ASIC5-related condition. Last evaluated: 2026-02-13. Review status: criteria provided, single submitter. Criteria: ACMG Guidelines, 2015. Collection method: clinical testing. Allele origin: germline.
Comment: This variant is classified as likely benign based on ACMG/AMP sequence variant interpretation guidelines (Richards et al. 2015 PMID: 25741868, with internal and published modifications).

Ambry Genetics
Classification: Uncertain significance. Last evaluated: 2021-08-16. Review status: criteria provided, single submitter. Criteria: Ambry Variant Classification Scheme 2023. Collection method: clinical testing. Allele origin: germline.